The following is an entry in ClinVar:

ClinVar aggregate classification (germline): Likely pathogenic (1 of 4 stars; one submission).

Conditions:
Fanconi anemia (FA). Also called: Fanconi's anemia. Identifiers: Orphanet 84, MedGen C0015625, MeSH D005199, MONDO:0019391.

Allele frequency attached by ClinVar (database versions not stated): gnomAD exomes below 0.00001.
gnomAD v4.1: 1 of 1,614,016 alleles (0.000062%); highest among the groups gnomAD compares: Non-Finnish European, 0.000085%; no homozygotes.

Submission:

Labcorp Genetics (formerly Invitae), Labcorp
Classification: Likely pathogenic for Fanconi anemia. Last evaluated: 2020-09-06. Review status: criteria provided, single submitter. Criteria: Invitae Variant Classification Sherloc (09022015). Collection method: clinical testing. Allele origin: germline.
Comment: This variant has not been reported in the literature in individuals with FANCA-related conditions. This sequence change affects an acceptor splice site in intron 17 of the FANCA gene. It is expected to disrupt RNA splicing and likely results in an absent or disrupted protein product. This variant is not present in population databases (ExAC no frequency). Algorithms developed to predict the effect of sequence changes on RNA splicing suggest that this variant may disrupt the consensus splice site, but this prediction has not been confirmed by published transcriptional studies. Donor and acceptor splice site variants typically lead to a loss of protein function (PMID: 16199547), and loss-of-function variants in FANCA are known to be pathogenic (PMID: 19367192). In summary, the currently available evidence indicates that the variant is pathogenic, but additional data are needed to prove that conclusively. Therefore, this variant has been classified as Likely Pathogenic.

Literature cited by the submitters: PubMed 16199547; PubMed 19367192.

NM_000135.4(FANCA):c.1627-2A>G

Gene: FANCA (FA complementation group A; minus strand). Cytogenetic location: 16q24.3.
Variant type: single nucleotide variant.
Coding change: c.1627-2A>G on transcript NM_000135.4 (MANE Select); the canonical splice acceptor site of the intron before coding-DNA position 1627, A replaced by G.
Molecular consequence: splice acceptor variant.
Genome position (GRCh38, 1-based): chr16:89,779,959, T>C on the plus strand (A>G on the coding strand, the complement: FANCA is on the minus strand). VCF-style: chr16-89779959-T-C. GRCh37 (hg19) VCF-style: chr16-89846367-T-C.
Other names: c.1627-2A>G (NM_001286167.3).
Identifiers: ClinVar variation 1066493 (VCV001066493.7), dbSNP rs2143433058, ClinGen allele CA397456656.
Genomic context (GRCh38, chr16:89,779,959, plus strand): 5'-CCCGTATGCTCAAACACCATGATGGCCTTTTCAACATCCTGAAGAGCTTGGCTGTGGGGC[T>C]GGTTCCCATACAGGGAGGAAAGGAAAAAGAACAGAGGACTTTAAAGAAAAGACTGAGCAG-3'